The following is an entry in ClinVar:

NM_033109.5(PNPT1):c.736A>G (p.Lys246Glu)

Gene: PNPT1 (polyribonucleotide nucleotidyltransferase 1; minus strand). Cytogenetic location: 2p16.1.
Variant type: single nucleotide variant.
Coding change: c.736A>G on transcript NM_033109.5 (MANE Select); coding-DNA position 736, A replaced by G.
Protein change: p.Lys246Glu; replaces lysine 246 with glutamic acid.
Molecular consequence: missense variant.
Genome position (GRCh38, 1-based): chr2:55,673,023, T>C on the plus strand (A>G on the coding strand, the complement: PNPT1 is on the minus strand). VCF-style: chr2-55673023-T-C. GRCh37 (hg19) VCF-style: chr2-55900158-T-C.
Other names: short protein forms K246E.
Identifiers: ClinVar variation 1482633 (VCV001482633.7), dbSNP rs2104127478, ClinGen allele CA346934534.

ClinVar aggregate classification (germline): Uncertain significance. Review status: criteria provided, multiple submitters, no conflicts (2 of 4 stars). 2 submissions from 2 submitters: Uncertain significance (2). Last evaluated 2024-07-01.

Conditions:
Combined oxidative phosphorylation defect type 13. Also called: Combined oxidative phosphorylation deficiency 13. Identifiers: Orphanet 319514, MedGen C4706283, MONDO:0013977, OMIM 614932.
Autosomal recessive nonsyndromic hearing loss 70. Also called: Deafness, autosomal recessive 70. Identifiers: Orphanet 90636, MedGen C1824925, MONDO:0013978, OMIM 614934.
Spinocerebellar ataxia type 25. Identifiers: Orphanet 101111, MedGen C1837518, MONDO:0012103, OMIM 608703.

Allele frequency attached by ClinVar (database versions not stated): gnomAD exomes below 0.00001.
gnomAD v4.1: 2 of 1,612,720 alleles (0.00012%); highest among the groups gnomAD compares: Non-Finnish European, 0.00017%; no homozygotes.

Submissions (2):

Labcorp Genetics (formerly Invitae), Labcorp
Classification: Uncertain significance. Last evaluated: 2024-07-01. Review status: criteria provided, single submitter. Criteria: Invitae Variant Classification Sherloc (09022015). Collection method: clinical testing. Allele origin: germline.
Comment: This sequence change replaces lysine, which is basic and polar, with glutamic acid, which is acidic and polar, at codon 246 of the PNPT1 protein (p.Lys246Glu). This variant is not present in population databases (gnomAD no frequency). This variant has not been reported in the literature in individuals affected with PNPT1-related conditions. ClinVar contains an entry for this variant (Variation ID: 1482633). Advanced modeling of protein sequence and biophysical properties (such as structural, functional, and spatial information, amino acid conservation, physicochemical variation, residue mobility, and thermodynamic stability) performed at Invitae indicates that this missense variant is not expected to disrupt PNPT1 protein function with a negative predictive value of 80%. In summary, the available evidence is currently insufficient to determine the role of this variant in disease. Therefore, it has been classified as a Variant of Uncertain Significance.

Department of Pathology and Laboratory Medicine, Sinai Health System
Classification: Uncertain significance for Spinocerebellar ataxia type 25; Combined oxidative phosphorylation defect type 13; Autosomal recessive nonsyndromic hearing loss 70. Last evaluated: 2020-06-02. Review status: criteria provided, single submitter. Criteria: ACMG Guidelines, 2015. Collection method: research. Allele origin: germline.